The following is an entry in ClinVar:

ClinVar aggregate classification (germline): Uncertain significance (1 of 4 stars; one submission).

Conditions:
Inborn genetic diseases. Identifiers: MedGen C0950123, MeSH D030342.

gnomAD v4.1: 1 of 1,613,648 alleles (0.000062%); highest among the groups gnomAD compares: African/African-American, 0.0013%; no homozygotes.

Submission:

Ambry Genetics
Classification: Uncertain significance for Inborn genetic diseases. Last evaluated: 2024-02-03. Review status: criteria provided, single submitter. Criteria: Ambry Variant Classification Scheme 2023. Collection method: clinical testing. Allele origin: germline.
Comment: The p.S1272T variant (also known as c.3814T>A), located in coding exon 28 of the LRRK2 gene, results from a T to A substitution at nucleotide position 3814. The serine at codon 1272 is replaced by threonine, an amino acid with similar properties. This amino acid position is conserved. In addition, this alteration is predicted to be tolerated by in silico analysis. Based on the available evidence, the clinical significance of this alteration remains unclear.

NM_198578.4(LRRK2):c.3814T>A (p.Ser1272Thr)

Gene: LRRK2 (leucine rich repeat kinase 2; plus strand). Cytogenetic location: 12q12.
Variant type: single nucleotide variant.
Coding change: c.3814T>A on transcript NM_198578.4 (MANE Select); coding-DNA position 3814, T replaced by A.
Protein change: p.Ser1272Thr; replaces serine 1272 with threonine.
Molecular consequence: missense variant.
Genome position (GRCh38, 1-based): chr12:40,305,821, T>A. VCF-style: chr12-40305821-T-A. GRCh37 (hg19) VCF-style: chr12-40699623-T-A.
Other names: short protein forms S1272T.
Identifiers: ClinVar variation 3229632 (VCV003229632.1), dbSNP rs2499794513, ClinGen allele CA384417101.